The following is an entry in ClinVar:

NM_003070.5(SMARCA2):c.182G>C (p.Gly61Ala)

Gene: SMARCA2 (SWI/SNF related, matrix associated, actin dependent regulator of chromatin, subfamily a, member 2; plus strand). Cytogenetic location: 9p24.3.
Variant type: single nucleotide variant.
Coding change: c.182G>C on transcript NM_003070.5 (MANE Select); coding-DNA position 182, G replaced by C.
Protein change: p.Gly61Ala; replaces glycine 61 with alanine.
Molecular consequence: missense variant.
Genome position (GRCh38, 1-based): chr9:2,029,204, G>C. VCF-style: chr9-2029204-G-C. GRCh37 (hg19) VCF-style: chr9-2029204-G-C.
Other names: c.182G>C, p.Gly61Ala (NM_001289396.2, NM_001289397.2, NM_139045.4); short protein forms G61A.
Identifiers: ClinVar variation 449800 (VCV000449800.4), dbSNP rs754667442, ClinGen allele CA4962770.
Genomic context (GRCh38, chr9:2,029,204, plus strand): 5'-ACAGCATGATGGGGCCAAGTCCTGGACCTCCAAGTGTCTCCCATCCTATGCCGACGATGG[G>C]GTCCACAGACTTCCCACAGGAAGGCATGCATCAAATGCATAAGGTAAGAGTTTGTTCTCC-3'
Protein context (NP_003061.3, residues 51-71): PSVSHPMPTM[Gly61Ala]STDFPQEGMH

ClinVar aggregate classification (germline): Uncertain significance (1 of 4 stars; one submission).

Allele frequency attached by ClinVar (database versions not stated): TOPMed below 0.00001; ExAC 0.00001.
gnomAD v4.1: 10 of 1,613,010 alleles (0.00062%); highest among the groups gnomAD compares: Non-Finnish European, 0.00085%; no homozygotes.

Submission:

GeneDx
Classification: Uncertain significance. Last evaluated: 2019-04-10. Review status: criteria provided, single submitter. Criteria: GeneDx Variant Classification Process June 2021. Collection method: clinical testing. Allele origin: germline. Affected: yes.
Comment: Has not been previously published as pathogenic or benign to our knowledge; This variant is associated with the following publications: (PMID: 30029678)